The following is an entry in ClinVar:

ClinVar aggregate classification (germline): Uncertain significance (1 of 4 stars; one submission).

Submission:

GeneDx
Classification: Uncertain significance. Last evaluated: 2026-04-07. Review status: criteria provided, single submitter. Criteria: GeneDx Variant Classification Process June 2021. Collection method: clinical testing. Allele origin: germline.
Comment: Not observed at significant frequency in large population cohorts (gnomAD); Nucleotide is not conserved across species and the substitution has no predicted effect on splicing; Has not been previously published as pathogenic or benign to our knowledge; Alters the Kozak sequence, which plays a major role in the initiation of translation

NM_006306.4(SMC1A):c.-5C>T

Gene: SMC1A (structural maintenance of chromosomes 1A; minus strand). Cytogenetic location: Xp11.22.
Variant type: single nucleotide variant.
Coding change: c.-5C>T on transcript NM_006306.4 (MANE Select); 5 bases upstream of the start codon, C replaced by T.
Molecular consequence: 5 prime UTR variant.
Genome position (GRCh38, 1-based): chrX:53,422,605, G>A on the plus strand (C>T on the coding strand, the complement: SMC1A is on the minus strand). VCF-style: chrX-53422605-G-A. GRCh37 (hg19) VCF-style: chrX-53449554-G-A.
Other names: c.-217C>T (NM_001281463.1).
Identifiers: ClinVar variation 5017951 (VCV005017951.1).